The following is an entry in ClinVar:

ClinVar aggregate classification (germline): Uncertain significance (1 of 4 stars; one submission).

Submission:

Labcorp Genetics (formerly Invitae), Labcorp
Classification: Uncertain significance. Last evaluated: 2022-06-16. Review status: criteria provided, single submitter. Criteria: Invitae Variant Classification Sherloc (09022015). Collection method: clinical testing. Allele origin: germline.
Comment: In summary, the available evidence is currently insufficient to determine the role of this variant in disease. Therefore, it has been classified as a Variant of Uncertain Significance. Algorithms developed to predict the effect of missense changes on protein structure and function are either unavailable or do not agree on the potential impact of this missense change (SIFT: "Deleterious"; PolyPhen-2: "Benign"; Align-GVGD: "Class C0"). This variant has not been reported in the literature in individuals affected with RTTN-related conditions. This variant is not present in population databases (gnomAD no frequency). This sequence change replaces serine, which is neutral and polar, with alanine, which is neutral and non-polar, at codon 349 of the RTTN protein (p.Ser349Ala).

NM_173630.4(RTTN):c.1045T>G (p.Ser349Ala)

Gene: RTTN (rotatin; minus strand). Cytogenetic location: 18q22.2.
Variant type: single nucleotide variant.
Coding change: c.1045T>G on transcript NM_173630.4 (MANE Select); coding-DNA position 1045, T replaced by G.
Protein change: p.Ser349Ala; replaces serine 349 with alanine.
Molecular consequence: missense variant. On other transcripts: 5 prime UTR variant (1).
Genome position (GRCh38, 1-based): chr18:70,190,682, A>C on the plus strand (T>G on the coding strand, the complement: RTTN is on the minus strand). VCF-style: chr18-70190682-A-C. GRCh37 (hg19) VCF-style: chr18-67857918-A-C.
Other names: c.-1509T>G (NM_001318520.2); short protein forms S349A.
Identifiers: ClinVar variation 2130238 (VCV002130238.4), dbSNP rs2512989741, ClinGen allele CA402699255.